The following is an entry in ClinVar:

NM_005633.4(SOS1):c.1554A>G (p.Leu518=)

Gene: SOS1 (SOS Ras/Rac guanine nucleotide exchange factor 1; minus strand). Cytogenetic location: 2p22.1.
Variant type: single nucleotide variant.
Coding change: c.1554A>G on transcript NM_005633.4 (MANE Select); coding-DNA position 1554, A replaced by G.
Protein change: p.Leu518=; no amino-acid change (leucine 518 retained).
Molecular consequence: synonymous variant.
Genome position (GRCh38, 1-based): chr2:39,022,874, T>C on the plus strand (A>G on the coding strand, the complement: SOS1 is on the minus strand). VCF-style: chr2-39022874-T-C. GRCh37 (hg19) VCF-style: chr2-39250015-T-C.
Other names: c.1533A>G, p.Leu511= (NM_001382394.1); c.1554A>G, p.Leu518= (NM_001382395.1).
Identifiers: ClinVar variation 725181 (VCV000725181.14), dbSNP rs765369803, ClinGen allele CA1624586.
Genomic context (GRCh38, chr2:39,022,874, plus strand): 5'-CATCCAATTGTTTTTCTCTTCAGCTGACTTGGCAGAAAATATAACACTATTTTCATCTTT[T>C]AAAATTATTTCAAAAGCATGCTTGTATTCATTGGTGTCATCTTTATCATTAATTTGTACC-3'
Protein context (NP_005624.2, residues 508-528): NEYKHAFEII[Leu518=]KDENSVIFSA

ClinVar aggregate classification (germline): Conflicting classifications of pathogenicity. Review status: criteria provided, conflicting classifications (1 of 4 stars). 5 submissions from 5 submitters: Uncertain significance (1); Likely benign (4). Last evaluated 2026-06-16.

Conditions:
RASopathy. Also called: rasopathies; Noonan spectrum disorder. Identifiers: Orphanet 536391, MedGen C5555857, MONDO:0021060.
Noonan syndrome and Noonan-related syndrome. Identifiers: Orphanet 98733, MedGen C5681679, MONDO:0020297.
SOS1-related disorder. Also called: SOS1-related condition.
Cardiovascular phenotype. Identifiers: MedGen CN230736.

Allele frequency attached by ClinVar (database versions not stated): gnomAD 0.00001; gnomAD exomes 0.00001 and 0.00002; ExAC 0.00002; TOPMed 0.00002.
gnomAD v4.1: 15 of 1,612,672 alleles (0.00093%); highest among the groups gnomAD compares: East Asian, 0.025%; no homozygotes.

Submissions (5):

PreventionGenetics, part of Exact Sciences
Classification: Likely benign for SOS1-related condition. Last evaluated: 2026-06-16. Review status: criteria provided, single submitter. Criteria: ACMG Guidelines, 2015. Collection method: clinical testing. Allele origin: germline.
Comment: This variant is classified as likely benign based on ACMG/AMP sequence variant interpretation guidelines (Richards et al. 2015 PMID: 25741868, with internal and published modifications).

Labcorp Genetics (formerly Invitae), Labcorp
Classification: Likely benign for RASopathy. Last evaluated: 2025-05-28. Review status: criteria provided, single submitter. Criteria: Invitae Variant Classification Sherloc (09022015). Collection method: clinical testing. Allele origin: germline.

Ambry Genetics
Classification: Likely benign for Cardiovascular phenotype. Last evaluated: 2023-07-29. Review status: criteria provided, single submitter. Criteria: Ambry Variant Classification Scheme 2023. Collection method: clinical testing. Allele origin: germline.

Blueprint Genetics
Classification: Likely benign. Last evaluated: 2021-09-06. Review status: criteria provided, single submitter. Criteria: ACMG Guidelines, 2015. Collection method: clinical testing. Allele origin: germline.

Genome Diagnostics Laboratory, The Hospital for Sick Children
Classification: Uncertain significance for Noonan syndrome and Noonan-related syndrome. Last evaluated: 2018-02-01. Review status: criteria provided, single submitter. Criteria: ACMG Guidelines, 2015. Collection method: clinical testing. Allele origin: germline.